The following is an entry in ClinVar:

ClinVar aggregate classification (germline): Likely benign (1 of 4 stars; one submission).

Allele frequency attached by ClinVar (database versions not stated): gnomAD exomes 0.00119; gnomAD 0.01285 and 0.01369; TOPMed 0.01448; 1000 Genomes Project 0.01597; 1000 Genomes Project 30x 0.01671.
gnomAD v4.1: 3,799 of 1,602,942 alleles (0.24%); highest among the groups gnomAD compares: African/African-American, 4.4%; 70 homozygotes.

Submission:

GeneDx
Classification: Likely benign. Last evaluated: 2018-06-14. Review status: criteria provided, single submitter. Criteria: GeneDx Variant Classification (06012015). Collection method: clinical testing. Allele origin: germline. Affected: yes.
Comment: This variant is considered likely benign or benign based on one or more of the following criteria: it is a conservative change, it occurs at a poorly conserved position in the protein, it is predicted to be benign by multiple in silico algorithms, and/or has population frequency not consistent with disease.

NM_000093.5(COL5A1):c.925-63C>T

Gene: COL5A1 (collagen type V alpha 1 chain; plus strand). Cytogenetic location: 9q34.3.
Variant type: single nucleotide variant.
Coding change: c.925-63C>T on transcript NM_000093.5 (MANE Select); 63 bases into the intron before coding-DNA position 925, C replaced by T.
Molecular consequence: intron variant.
Genome position (GRCh38, 1-based): chr9:134,730,173, C>T. VCF-style: chr9-134730173-C-T. GRCh37 (hg19) VCF-style: chr9-137622019-C-T.
Other names: c.925-63C>T (NM_001278074.1).
Identifiers: ClinVar variation 674017 (VCV000674017.1), dbSNP rs77043106, ClinGen allele CA201108039.